The following is an entry in ClinVar:

NC_000012.12:g.(?_80367490)_(80378127_?)del

Gene: OTOGL (otogelin like; plus strand). Cytogenetic location: 12q21.31.
Variant type: Deletion.
Identifiers: ClinVar variation 517528 (VCV000517528.5).

ClinVar aggregate classification (germline): Pathogenic (1 of 4 stars; one submission).

Conditions:
Rare genetic deafness. Identifiers: Orphanet 96210, MedGen C5680250.

Submission:

Laboratory for Molecular Medicine, Mass General Brigham Personalized Medicine
Classification: Pathogenic for Rare genetic deafness. Last evaluated: 2017-08-24. Review status: criteria provided, single submitter. Criteria: LMM Criteria. Collection method: clinical testing. Allele origin: germline. Inheritance: Autosomal recessive inheritance. Observed: 1 variant allele.
Comment: The deletion of exons 53-58 of OTOGL has not been previously reported in individ uals with hearing loss. Similarly sized deletions were identified in 1/5083 Afri can and 1/32850 European chromosomes by the Exome Aggregation Consortium (ExAC); however the frequency of these deletions in the general population is low enough to be consistent with a recessive carrier freq uency. This deletions encompasses at least exons 53-58 of OTOGL and is predicted to result in a truncated or absent protein; however the exact breakpoints of th e deletion cannot be determined due to the limitations of the testing methodolog y. Loss of function of OTOGL is an established disease mechanism in autosomal re cessive hearing loss. In summary, this variant meets our criteria to be classifi ed as pathogenic for nonsyndromic hearing loss in an autosomal recessive manner based on the predicted impact of the variant.